The following is an entry in ClinVar:

ClinVar aggregate classification (germline): Uncertain significance (1 of 4 stars; one submission).

Submission:

Labcorp Genetics (formerly Invitae), Labcorp
Classification: Uncertain significance. Last evaluated: 2023-04-14. Review status: criteria provided, single submitter. Criteria: Invitae Variant Classification Sherloc (09022015). Collection method: clinical testing. Allele origin: germline.
Comment: In summary, the available evidence is currently insufficient to determine the role of this variant in disease. Therefore, it has been classified as a Variant of Uncertain Significance. This variant disrupts the p.Pro170 amino acid residue in TMEM240. Other variant(s) that disrupt this residue have been determined to be pathogenic (PMID: 25070513). This suggests that this residue is clinically significant, and that variants that disrupt this residue are likely to be disease-causing. An algorithm developed to predict the effect of missense changes on protein structure and function (PolyPhen-2) suggests that this variant is likely to be disruptive. This missense change has been observed in individual(s) with clinical features of TMEM240-related conditions (Invitae). This variant is not present in population databases (gnomAD no frequency). This sequence change replaces proline, which is neutral and non-polar, with serine, which is neutral and polar, at codon 170 of the TMEM240 protein (p.Pro170Ser).

Literature cited by the submitters: PubMed 25070513.

NM_001114748.2(TMEM240):c.508C>T (p.Pro170Ser)

Gene: TMEM240 (transmembrane protein 240; minus strand). Cytogenetic location: 1p36.33.
Variant type: single nucleotide variant.
Coding change: c.508C>T on transcript NM_001114748.2 (MANE Select); coding-DNA position 508, C replaced by T.
Protein change: p.Pro170Ser; replaces proline 170 with serine.
Molecular consequence: missense variant.
Genome position (GRCh38, 1-based): chr1:1,535,373, G>A on the plus strand (C>T on the coding strand, the complement: TMEM240 is on the minus strand). VCF-style: chr1-1535373-G-A. GRCh37 (hg19) VCF-style: chr1-1470753-G-A.
Other names: short protein forms P170S.
Identifiers: ClinVar variation 2855986 (VCV002855986.3), dbSNP rs2520952003, ClinGen allele CA337865725.